The following is an entry in ClinVar:

NM_019594.4(LRRC8A):c.996C>T (p.Tyr332=)

Gene: LRRC8A (leucine rich repeat containing 8 VRAC subunit A; plus strand). Cytogenetic location: 9q34.11.
Variant type: single nucleotide variant.
Coding change: c.996C>T on transcript NM_019594.4 (MANE Select); coding-DNA position 996, C replaced by T.
Protein change: p.Tyr332=; no amino-acid change (tyrosine 332 retained).
Molecular consequence: synonymous variant.
Genome position (GRCh38, 1-based): chr9:128,908,160, C>T. VCF-style: chr9-128908160-C-T. GRCh37 (hg19) VCF-style: chr9-131670439-C-T.
Other names: c.996C>T, p.Tyr332= (NM_001127244.2, NM_001127245.2).
Identifiers: ClinVar variation 728631 (VCV000728631.19), dbSNP rs149683863, ClinGen allele CA5270814.

ClinVar aggregate classification (germline): Benign/Likely benign. Review status: criteria provided, multiple submitters, no conflicts (2 of 4 stars). 2 submissions from 2 submitters: Benign (1); Likely benign (1). Last evaluated 2025-05-01.

Allele frequency attached by ClinVar (database versions not stated): gnomAD 0.00006 and 0.00013; TOPMed 0.00006; ESP Exome Variant Server 0.00008; gnomAD exomes 0.00015 and 0.00020; ExAC 0.00025; 1000 Genomes Project 30x 0.00078; 1000 Genomes Project 0.00100.

Submissions (2):

CeGaT Center for Human Genetics Tuebingen
Classification: Likely benign. Last evaluated: 2025-05-01. Review status: criteria provided, single submitter. Criteria: CeGaT Center For Human Genetics Tuebingen Variant Classification Criteria Version 2. Collection method: clinical testing. Allele origin: germline. Affected: yes. Observed: 1 variant allele.
Comment: LRRC8A: BP4, BP7

Labcorp Genetics (formerly Invitae), Labcorp
Classification: Benign. Last evaluated: 2024-10-21. Review status: criteria provided, single submitter. Criteria: Invitae Variant Classification Sherloc (09022015). Collection method: clinical testing. Allele origin: germline.